The following is an entry in ClinVar:

NM_002637.4(PHKA1):c.2588G>A (p.Arg863Gln)

Gene: PHKA1 (phosphorylase kinase regulatory subunit alpha 1; minus strand). Cytogenetic location: Xq13.1.
Variant type: single nucleotide variant.
Coding change: c.2588G>A on transcript NM_002637.4 (MANE Select); coding-DNA position 2588, G replaced by A.
Protein change: p.Arg863Gln; replaces arginine 863 with glutamine.
Molecular consequence: missense variant.
Genome position (GRCh38, 1-based): chrX:72,609,642, C>T on the plus strand (G>A on the coding strand, the complement: PHKA1 is on the minus strand). VCF-style: chrX-72609642-C-T. GRCh37 (hg19) VCF-style: chrX-71829492-C-T.
Other names: c.2588G>A, p.Arg863Gln (NM_001122670.2); c.2411G>A, p.Arg804Gln (NM_001172436.2); short protein forms R804Q, R863Q.
Identifiers: ClinVar variation 3002673 (VCV003002673.8), dbSNP rs1556257038, ClinGen allele CA413589838.
Genomic context (GRCh38, chrX:72,609,642, plus strand): 5'-ACTCCTTCTCAGAGAAGCCTGACCAAACCCAGCCATACTCACGCAGAGATAGTCTTTTCT[C>T]GAGGTTCTGGAGGAAGTCCTACTGTCAAATGTTTCTGGTGGGAGAGAAGGTCTGTGCAGG-3'
Protein context (NP_002628.2, residues 853-873): HLTVGLPPEP[Arg863Gln]EKTISAPLPY

ClinVar aggregate classification (germline): Conflicting classifications of pathogenicity. Review status: criteria provided, conflicting classifications (1 of 4 stars). 3 submissions from 3 submitters: Uncertain significance (2); Likely benign (1). Last evaluated 2026-01-01.

Conditions:
Glycogen storage disease IXd (GSD9D). Also called: GSD IXd; Muscle Phosphorylase Kinase Deficiency. Identifiers: Orphanet 715, MedGen C1845151, MONDO:0010362, OMIM 300559.

gnomAD v4.1: 5 of 1,204,961 alleles (0.00041%); highest among the groups gnomAD compares: East Asian, 0.003%; no homozygotes.

Submissions (3):

CeGaT Center for Human Genetics Tuebingen
Classification: Likely benign. Last evaluated: 2026-01-01. Review status: criteria provided, single submitter. Criteria: CeGaT Center For Human Genetics Tuebingen Variant Classification Criteria Version 2. Collection method: clinical testing. Allele origin: germline. Affected: yes. Observed: 1 variant allele.
Comment: PHKA1: BP5

Revvity Omics, Revvity
Classification: Uncertain significance for Glycogen storage disease IXd. Last evaluated: 2023-09-25. Review status: criteria provided, single submitter. Criteria: ACMG Guidelines, 2015. Collection method: clinical testing. Allele origin: germline.

Labcorp Genetics (formerly Invitae), Labcorp
Classification: Uncertain significance for Glycogen storage disease IXd. Last evaluated: 2023-08-21. Review status: criteria provided, single submitter. Criteria: Invitae Variant Classification Sherloc (09022015). Collection method: clinical testing. Allele origin: germline.
Comment: In summary, the available evidence is currently insufficient to determine the role of this variant in disease. Therefore, it has been classified as a Variant of Uncertain Significance. Advanced modeling of protein sequence and biophysical properties (such as structural, functional, and spatial information, amino acid conservation, physicochemical variation, residue mobility, and thermodynamic stability) performed at Invitae indicates that this missense variant is expected to disrupt PHKA1 protein function. This variant has not been reported in the literature in individuals affected with PHKA1-related conditions. This variant is present in population databases (no rsID available, gnomAD 0.008%). This sequence change replaces arginine, which is basic and polar, with glutamine, which is neutral and polar, at codon 863 of the PHKA1 protein (p.Arg863Gln).